The following is an entry in ClinVar:

NM_006258.4(PRKG1):c.319G>A (p.Asp107Asn)

Gene: PRKG1 (protein kinase cGMP-dependent 1; plus strand). Cytogenetic location: 10q21.1.
Variant type: single nucleotide variant.
Coding change: c.319G>A on transcript NM_006258.4 (MANE Select); coding-DNA position 319, G replaced by A.
Protein change: p.Asp107Asn; replaces aspartic acid 107 with asparagine.
Molecular consequence: missense variant.
Genome position (GRCh38, 1-based): chr10:51,153,171, G>A. VCF-style: chr10-51153171-G-A. GRCh37 (hg19) VCF-style: chr10-52912931-G-A.
Other names: c.274G>A, p.Asp92Asn (NM_001098512.3); c.319G>A, p.Asp107Asn (NM_001374782.1); short protein forms D92N, D107N.
Identifiers: ClinVar variation 953621 (VCV000953621.10), dbSNP rs751916382, ClinGen allele CA376827243.
Genomic context (GRCh38, chr10:51,153,171, plus strand): 5'-ACTATGAAAGAGCTTGTCAGATGTGCCAGTAAATCTTCCCTCTCTTGCCATAGGTCCAAG[G>A]ATCTTATAAAGGAAGCTATCCTTGACAATGACTTTATGAAGAACTTGGAGCTGTCGCAGA-3'
Protein context (NP_006249.1, residues 97-117): PFYPKSPQSK[Asp107Asn]LIKEAILDND

ClinVar aggregate classification (germline): Uncertain significance. Review status: criteria provided, multiple submitters, no conflicts (2 of 4 stars). 2 submissions from 2 submitters: Uncertain significance (2). Last evaluated 2023-11-29.

Conditions:
Familial thoracic aortic aneurysm and aortic dissection (TAAD). Also called: Thoracic aortic aneurysms and dissections. Identifiers: Orphanet 91387, MedGen C4707243, MONDO:0019625.
Aortic aneurysm, familial thoracic 8 (AAT8). Identifiers: MedGen C3809513, MONDO:0014187, OMIM 615436.

gnomAD v4.1: 24 of 1,611,244 alleles (0.0015%); highest among the groups gnomAD compares: Non-Finnish European, 0.002%; no homozygotes.

Submissions (2):

Ambry Genetics
Classification: Uncertain significance for Familial thoracic aortic aneurysm and aortic dissection. Last evaluated: 2023-11-29. Review status: criteria provided, single submitter. Criteria: Ambry Variant Classification Scheme 2023. Collection method: clinical testing. Allele origin: germline.
Comment: The p.D107N variant (also known as c.319G>A), located in coding exon 2 of the PRKG1 gene, results from a G to A substitution at nucleotide position 319. The aspartic acid at codon 107 is replaced by asparagine, an amino acid with highly similar properties. This amino acid position is conserved. In addition, this alteration is predicted to be tolerated by in silico analysis. Since supporting evidence is limited at this time, the clinical significance of this alteration remains unclear.

Labcorp Genetics (formerly Invitae), Labcorp
Classification: Uncertain significance for Aortic aneurysm, familial thoracic 8. Last evaluated: 2019-08-31. Review status: criteria provided, single submitter. Criteria: Invitae Variant Classification Sherloc (09022015). Collection method: clinical testing. Allele origin: germline.
Comment: In summary, the available evidence is currently insufficient to determine the role of this variant in disease. Therefore, it has been classified as a Variant of Uncertain Significance. Algorithms developed to predict the effect of missense changes on protein structure and function (SIFT, PolyPhen-2, Align-GVGD) all suggest that this variant is likely to be tolerated, but these predictions have not been confirmed by published functional studies and their clinical significance is uncertain. This variant has not been reported in the literature in individuals with PRKG1-related conditions. This variant is not present in population databases (ExAC no frequency). This sequence change replaces aspartic acid with asparagine at codon 107 of the PRKG1 protein (p.Asp107Asn). The aspartic acid residue is weakly conserved and there is a small physicochemical difference between aspartic acid and asparagine.